The following is an entry in ClinVar:

ClinVar aggregate classification (germline): Uncertain significance (1 of 4 stars; one submission).

Submission:

Women's Health and Genetics/Laboratory Corporation of America, LabCorp
Classification: Uncertain significance. Last evaluated: 2024-11-15. Review status: criteria provided, single submitter. Criteria: LabCorp Variant Classification Summary - May 2015. Collection method: clinical testing. Allele origin: germline.
Comment: Variant summary: LZTR1 c.1585_1587delTAC (p.Tyr529del) results in an in-frame deletion that is predicted to remove 1 amino acid from the encoded protein. The variant was absent in 234492 control chromosomes (gnomAD). The available data on variant occurrences in the general population are insufficient to allow any conclusion about variant significance. To our knowledge, no occurrence of c.1585_1587delTAC in individuals affected with Noonan Syndrome 2 and no experimental evidence demonstrating its impact on protein function have been reported. No submitters have cited clinical-significance assessments for this variant to ClinVar. Based on the evidence outlined above, the variant was classified as uncertain significance.

NM_006767.4(LZTR1):c.1585_1587del (p.Tyr529del)

Gene: LZTR1 (leucine zipper like post translational regulator 1; plus strand). Cytogenetic location: 22q11.21.
Variant type: Deletion.
Coding change: c.1585_1587del on transcript NM_006767.4 (MANE Select); coding-DNA positions 1585 to 1587, 3 bases deleted (TAC; older notation c.1585_1587delTAC).
Protein change: p.Tyr529del; deletes tyrosine 529.
Molecular consequence: inframe deletion.
Genome position (GRCh38, 1-based): chr22:20,994,239-20,994,241, TAC deleted; deleting any 3 consecutive bases within chr22:20,994,238-20,994,241 gives the same sequence; the c. name uses the placement nearest the transcript's 3' end. VCF-style (leftmost placement, unchanged base first): chr22-20994237-TCTA-T. GRCh37 (hg19) VCF-style: chr22-21348526-TCTA-T.
Other names: c.1585_1587delTAC (NM_006767.4); short protein forms Y529del.
Identifiers: ClinVar variation 3629607 (VCV003629607.1).